The following is an entry in ClinVar:

NM_001330700.2(TOP2B):c.3075T>A (p.Asp1025Glu)

Gene: TOP2B (DNA topoisomerase II beta; minus strand). Cytogenetic location: 3p24.2.
Variant type: single nucleotide variant.
Coding change: c.3075T>A on transcript NM_001330700.2 (MANE Select); coding-DNA position 3075, T replaced by A.
Protein change: p.Asp1025Glu; replaces aspartic acid 1025 with glutamic acid.
Molecular consequence: missense variant.
Genome position (GRCh38, 1-based): chr3:25,618,838, A>T on the plus strand (T>A on the coding strand, the complement: TOP2B is on the minus strand). VCF-style: chr3-25618838-A-T. GRCh37 (hg19) VCF-style: chr3-25660329-A-T.
Other names: c.3060T>A, p.Asp1020Glu (NM_001068.3); short protein forms D1020E, D1025E.
Identifiers: ClinVar variation 4719430 (VCV004719430.1).

ClinVar aggregate classification (germline): Uncertain significance (1 of 4 stars; one submission).

Submission:

Labcorp Genetics (formerly Invitae), Labcorp
Classification: Uncertain significance. Last evaluated: 2025-07-15. Review status: criteria provided, single submitter. Criteria: Invitae Variant Classification Sherloc (09022015). Collection method: clinical testing. Allele origin: germline.
Comment: This sequence change replaces aspartic acid, which is acidic and polar, with glutamic acid, which is acidic and polar, at codon 1020 of the TOP2B protein (p.Asp1020Glu). This variant is not present in population databases (gnomAD no frequency). This variant has not been reported in the literature in individuals affected with TOP2B-related conditions. An algorithm developed to predict the effect of missense changes on protein structure and function (PolyPhen-2) suggests that this variant is likely to be disruptive. In summary, the available evidence is currently insufficient to determine the role of this variant in disease. Therefore, it has been classified as a Variant of Uncertain Significance.